The following is an entry in ClinVar:

NM_182961.4(SYNE1):c.22066A>G (p.Thr7356Ala)

Gene: SYNE1 (spectrin repeat containing nuclear envelope protein 1; minus strand). Cytogenetic location: 6q25.2.
Variant type: single nucleotide variant.
Coding change: c.22066A>G on transcript NM_182961.4 (MANE Select); coding-DNA position 22066, A replaced by G.
Protein change: p.Thr7356Ala; replaces threonine 7356 with alanine.
Molecular consequence: missense variant.
Genome position (GRCh38, 1-based): chr6:152,218,382, T>C on the plus strand (A>G on the coding strand, the complement: SYNE1 is on the minus strand). VCF-style: chr6-152218382-T-C. GRCh37 (hg19) VCF-style: chr6-152539517-T-C.
Other names: c.21853A>G, p.Thr7285Ala (NM_033071.5); short protein forms T7285A, T7356A.
Identifiers: ClinVar variation 1807175 (VCV001807175.27), dbSNP rs764173089, ClinGen allele CA4053966.

ClinVar aggregate classification (germline): Uncertain significance. Review status: criteria provided, multiple submitters, no conflicts (2 of 4 stars). 3 submissions from 3 submitters: Uncertain significance (3). Last evaluated 2025-04-24.

Conditions:
Autosomal recessive ataxia, Beauce type. Also called: SYNE1-Related Autosomal Recessive Cerebellar Ataxia; SYNE1 Deficiency; Spinocerebellar ataxia, autosomal recessive 8; ATAXIA, RECESSIVE, OF BEAUCE. Identifiers: Orphanet 88644, MedGen C1853116, MONDO:0012549, OMIM 610743.
Emery-Dreifuss muscular dystrophy 4, autosomal dominant (EDMD4). Also called: EMERY-DREIFUSS MUSCULAR DYSTROPHY 4 WITH VARIABLE FEATURES. Identifiers: Orphanet 261, MedGen C2751807, MONDO:0013071, OMIM 612998.

Allele frequency attached by ClinVar (database versions not stated): gnomAD exomes 0.00003; ExAC 0.00004; gnomAD 0.00004.
gnomAD v4.1: 50 of 1,613,730 alleles (0.0031%); highest among the groups gnomAD compares: South Asian, 0.02%; no homozygotes.

Submissions (3):

Athena Diagnostics
Classification: Uncertain significance. Last evaluated: 2025-04-24. Review status: criteria provided, single submitter. Criteria: Athena Diagnostics Criteria. Collection method: clinical testing. Allele origin: unknown.
Comment: Available data are insufficient to determine the clinical significance of the variant at this time. The frequency of this variant in the general population is uninformative in assessment of its pathogenicity. Polyphen and MutationTaster yielded discordant predictions regarding whether this amino acid change is damaging to the protein.

CeGaT Center for Human Genetics Tuebingen
Classification: Uncertain significance. Last evaluated: 2023-05-01. Review status: criteria provided, single submitter. Criteria: CeGaT Center For Human Genetics Tuebingen Variant Classification Criteria Version 2. Collection method: clinical testing. Allele origin: germline. Affected: yes. Observed: 1 variant allele.
Comment: SYNE1: PM2, BP4

Labcorp Genetics (formerly Invitae), Labcorp
Classification: Uncertain significance for Emery-Dreifuss muscular dystrophy 4, autosomal dominant; Autosomal recessive ataxia, Beauce type. Last evaluated: 2021-09-17. Review status: criteria provided, single submitter. Criteria: Invitae Variant Classification Sherloc (09022015). Collection method: clinical testing. Allele origin: germline.
Comment: This sequence change replaces threonine with alanine at codon 7285 of the SYNE1 protein (p.Thr7285Ala). The threonine residue is highly conserved and there is a small physicochemical difference between threonine and alanine. This variant is present in population databases (rs764173089, ExAC 0.03%). This variant has not been reported in the literature in individuals affected with SYNE1-related conditions. Algorithms developed to predict the effect of missense changes on protein structure and function are either unavailable or do not agree on the potential impact of this missense change (SIFT: "Deleterious"; PolyPhen-2: "Benign"; Align-GVGD: "Class C55"). Algorithms developed to predict the effect of sequence changes on RNA splicing suggest that this variant may create or strengthen a splice site. In summary, the available evidence is currently insufficient to determine the role of this variant in disease. Therefore, it has been classified as a Variant of Uncertain Significance.